The following is an entry in ClinVar:

ClinVar aggregate classification (germline): Uncertain significance. Review status: criteria provided, single submitter (1 of 4 stars). 2 submissions from 2 submitters: Uncertain significance (1). 1 of the submissions does not count toward it. Last evaluated 2025-10-02.

Conditions:
TENT4B-related disorder. Also called: TENT4B-related condition.

Allele frequency attached by ClinVar (database versions not stated): 1000 Genomes Project 30x 0.00109; ExAC 0.00195; gnomAD 0.00196; 1000 Genomes Project 0.00100; TOPMed 0.00147; ESP Exome Variant Server 0.00199.
gnomAD v4.1: 4,430 of 1,614,046 alleles (0.27%); highest among the groups gnomAD compares: Non-Finnish European, 0.34%; 15 homozygotes.

Submissions (2):

Ambry Genetics
Classification: Uncertain significance. Last evaluated: 2025-10-02. Review status: criteria provided, single submitter. Criteria: Ambry Variant Classification Scheme 2023. Collection method: clinical testing. Allele origin: germline.

PreventionGenetics, part of Exact Sciences
Classification: Likely benign for TENT4B-related condition. Last evaluated: 2022-06-22. Review status: no assertion criteria provided. Collection method: clinical testing. Allele origin: germline. Not counted in ClinVar's aggregate classification.
Comment: This variant is classified as likely benign based on ACMG/AMP sequence variant interpretation guidelines (Richards et al. 2015 PMID: 25741868, with internal and published modifications).

NM_001365324.3(TENT4B):c.2055A>T (p.Gln685His)

Gene: TENT4B (terminal nucleotidyltransferase 4B; plus strand). Cytogenetic location: 16q12.1.
Variant type: single nucleotide variant.
Coding change: c.2055A>T on transcript NM_001365324.3 (MANE Select); coding-DNA position 2055, A replaced by T.
Protein change: p.Gln685His; replaces glutamine 685 with histidine.
Molecular consequence: missense variant.
Genome position (GRCh38, 1-based): chr16:50,229,241, A>T. VCF-style: chr16-50229241-A-T. GRCh37 (hg19) VCF-style: chr16-50263152-A-T.
Other names: c.2010A>T, p.Gln670His (NM_001040284.3); c.1869A>T, p.Gln623His (NM_001040285.3); c.1995A>T, p.Gln665His (NM_001365323.2); c.2010A>T (NM_001040284.2); short protein forms Q623H, Q665H, Q670H, Q685H.
Identifiers: ClinVar variation 3044728 (VCV003044728.3), dbSNP rs12932594, ClinGen allele CA8048209.